The following is an entry in ClinVar:

ClinVar aggregate classification (germline): Uncertain significance (1 of 4 stars; one submission).

Allele frequency attached by ClinVar (database versions not stated): gnomAD 0.00003 and 0.00004; ExAC 0.00002; gnomAD exomes 0.00003; TOPMed 0.00003.
gnomAD v4.1: 55 of 1,614,076 alleles (0.0034%); highest among the groups gnomAD compares: Admixed American, 0.0083%; no homozygotes.

Submission:

Labcorp Genetics (formerly Invitae), Labcorp
Classification: Uncertain significance. Last evaluated: 2021-12-02. Review status: criteria provided, single submitter. Criteria: Invitae Variant Classification Sherloc (09022015). Collection method: clinical testing. Allele origin: germline.
Comment: This variant is present in population databases (rs769225565, gnomAD 0.01%). In summary, the available evidence is currently insufficient to determine the role of this variant in disease. Therefore, it has been classified as a Variant of Uncertain Significance. Algorithms developed to predict the effect of missense changes on protein structure and function (SIFT, PolyPhen-2, Align-GVGD) all suggest that this variant is likely to be tolerated. This variant has not been reported in the literature in individuals affected with ARHGAP31-related conditions. This sequence change replaces proline, which is neutral and non-polar, with arginine, which is basic and polar, at codon 1280 of the ARHGAP31 protein (p.Pro1280Arg).

NM_020754.4(ARHGAP31):c.3839C>G (p.Pro1280Arg)

Gene: ARHGAP31 (Rho GTPase activating protein 31; plus strand). Cytogenetic location: 3q13.33.
Variant type: single nucleotide variant.
Coding change: c.3839C>G on transcript NM_020754.4 (MANE Select); coding-DNA position 3839, C replaced by G.
Protein change: p.Pro1280Arg; replaces proline 1280 with arginine.
Molecular consequence: missense variant.
Genome position (GRCh38, 1-based): chr3:119,415,768, C>G. VCF-style: chr3-119415768-C-G. GRCh37 (hg19) VCF-style: chr3-119134615-C-G.
Other names: short protein forms P1280R.
Identifiers: ClinVar variation 1506226 (VCV001506226.6), dbSNP rs769225565, ClinGen allele CA2554261.